The following is an entry in ClinVar:

NM_000127.3(EXT1):c.822del (p.Gly274_Ile275insTer)

Gene: EXT1 (exostosin glycosyltransferase 1; minus strand). Cytogenetic location: 8q24.11.
Variant type: Deletion.
Coding change: c.822del on transcript NM_000127.3 (MANE Select); coding-DNA position 822, one base deleted (G; older notation c.822delG).
Protein change: p.Gly274_Ile275insTer.
Molecular consequence: frameshift variant.
Genome position (GRCh38, 1-based): chr8:118,110,225, C deleted on the plus strand (G on the coding strand, the reverse complement: EXT1 is on the minus strand); the first of 3 consecutive C bases (chr8:118,110,225-118,110,227); deleting any one gives the same sequence. VCF-style (leftmost placement, unchanged base first): chr8-118110224-TC-T. GRCh37 (hg19) VCF-style: chr8-119122463-TC-T.
Identifiers: ClinVar variation 968951 (VCV000968951.9), dbSNP rs1817870237, ClinGen allele CA1139660741.

ClinVar aggregate classification (germline): Pathogenic (1 of 4 stars; one submission).

Conditions:
Multiple congenital exostosis (EXT). Also called: Hereditary multiple osteochondromas; MULTIPLE CARTILAGINOUS EXOSTOSES; Multiple exostoses; Hereditary multiple exostoses; Hereditary multiple exostosis; Multiple osteochondromas. Identifiers: Orphanet 321, MedGen C0015306, MONDO:0005508, HP:0002762.

Submission:

Labcorp Genetics (formerly Invitae), Labcorp
Classification: Pathogenic for Multiple congenital exostosis. Last evaluated: 2019-10-08. Review status: criteria provided, single submitter. Criteria: Invitae Variant Classification Sherloc (09022015). Collection method: clinical testing. Allele origin: germline.
Comment: This sequence change creates a premature translational stop signal (p.Ile275*) in the EXT1 gene. It is expected to result in an absent or disrupted protein product. This variant is not present in population databases (ExAC no frequency). This variant has been observed in individual(s) affected with multiple osteochondromas (PMID: 19810120). Loss-of-function variants in EXT1 are known to be pathogenic (PMID: 10679937, 11391482, 19810120). For these reasons, this variant has been classified as Pathogenic.

Literature cited by the submitters: PubMed 19810120; PubMed 10679937; PubMed 11391482.